The following is an entry in ClinVar:

ClinVar aggregate classification (germline): Uncertain significance (1 of 4 stars; one submission).

Submission:

Ambry Genetics
Classification: Uncertain significance. Last evaluated: 2026-05-20. Review status: criteria provided, single submitter. Criteria: Ambry Variant Classification Scheme 2023. Collection method: clinical testing. Allele origin: germline.
Comment: The p.T257A variant (also known as c.769A>G), located in coding exon 1 of the TET2 gene, results from an A to G substitution at nucleotide position 769. The threonine at codon 257 is replaced by alanine, an amino acid with similar properties. This amino acid position is conserved. In addition, this alteration is predicted to be tolerated by in silico analysis. Based on the available evidence, the clinical significance of this variant remains unclear.

NM_001127208.3(TET2):c.769A>G (p.Thr257Ala)

Genes: TET2 (tet methylcytosine dioxygenase 2; plus strand), TET2-AS1 (TET2 antisense RNA 1; minus strand). Cytogenetic location: 4q24.
Variant type: single nucleotide variant.
Coding change: c.769A>G on transcript NM_001127208.3 (MANE Select); coding-DNA position 769, A replaced by G.
Protein change: p.Thr257Ala; replaces threonine 257 with alanine.
Molecular consequence: missense variant.
Genome position (GRCh38, 1-based): chr4:105,234,711, A>G. VCF-style: chr4-105234711-A-G. GRCh37 (hg19) VCF-style: chr4-106155868-A-G.
Other names: c.769A>G, p.Thr257Ala (NM_017628.4); short protein forms T257A.
Identifiers: ClinVar variation 4865580 (VCV004865580.1).
Genomic context (GRCh38, chr4:105,234,711, plus strand): 5'-TGTGTTTCCATTGCGGTGCAGAAAACCACATCTCACATAAATGCCATTAACAGTCAGGCT[A>G]CTAATGAGTTGTCCTGTGAGATCACTCACCCATCGCATACCTCAGGGCAGATCAATTCCG-3'
Protein context (NP_001120680.1, residues 247-267): SHINAINSQA[Thr257Ala]NELSCEITHP